The following is an entry in ClinVar:

ClinVar aggregate classification (germline): Likely pathogenic (1 of 4 stars; one submission).

Submission:

Labcorp Genetics (formerly Invitae), Labcorp
Classification: Likely pathogenic. Last evaluated: 2023-02-06. Review status: criteria provided, single submitter. Criteria: Invitae Variant Classification Sherloc (09022015). Collection method: clinical testing. Allele origin: germline.
Comment: In summary, the currently available evidence indicates that the variant is pathogenic, but additional data are needed to prove that conclusively. Therefore, this variant has been classified as Likely Pathogenic. This variant has not been reported in the literature in individuals affected with TTC37-related conditions. This variant is not present in population databases (gnomAD no frequency). This variant results in the deletion of part of exon 15 (c.1304_1325+271del) of the TTC37 gene. It is expected to disrupt RNA splicing. Variants that disrupt the donor or acceptor splice site typically lead to a loss of protein function (PMID: 16199547), and loss-of-function variants in TTC37 are known to be pathogenic (PMID: 20176027, 21120949).

Literature cited by the submitters: PubMed 16199547; PubMed 20176027; PubMed 21120949.

NM_014639.4(SKIC3):c.1304_1325+271del

Gene: SKIC3 (SKI3 subunit of superkiller complex; minus strand). Cytogenetic location: 5q15.
Variant type: Deletion.
Coding change: c.1304_1325+271del on transcript NM_014639.4 (MANE Select); coding-DNA position 1304 through 271 bases into the intron after coding-DNA position 1325, 293 bases deleted.
Molecular consequence: splice donor variant.
Genome position (GRCh38, 1-based): chr5:95,525,127-95,525,419, 293 bases deleted. GRCh37 (hg19): chr5:94,860,834-94,861,126.
Identifiers: ClinVar variation 2835100 (VCV002835100.3), dbSNP rs2530772542, ClinGen allele CA2739274942.